The following is an entry in ClinVar:

NM_002890.3(RASA1):c.2897_2899del (p.Arg966_Met967delinsLeu)

Genes: CCNH (cyclin H; minus strand), RASA1 (RAS p21 protein activator 1; plus strand). Cytogenetic location: 5q14.3.
Variant type: Deletion.
Coding change: c.2897_2899del on transcript NM_002890.3 (MANE Select); coding-DNA positions 2897 to 2899, 3 bases deleted (GTA; older notation c.2897_2899delGTA).
Protein change: p.Arg966_Met967delinsLeu.
Molecular consequence: inframe indel. On other transcripts: intron variant (1).
Genome position (GRCh38, 1-based): chr5:87,386,875-87,386,877, GTA deleted. VCF-style (leftmost placement, unchanged base first): chr5-87386874-CGTA-C. GRCh37 (hg19) VCF-style: chr5-86682691-CGTA-C.
Other names: c.2366_2368del, p.Arg789_Met790delinsLeu (NM_022650.3); c.933+8167_933+8169del (NM_001364075.2).
Identifiers: ClinVar variation 3726243 (VCV003726243.2).

ClinVar aggregate classification (germline): Uncertain significance (1 of 4 stars; one submission).

Conditions:
Capillary malformation-arteriovenous malformation syndrome. Also called: Capillary malformation-arteriovenous malformation. Identifiers: Orphanet 137667, MedGen C1842180, MONDO:0012016.

Submission:

Labcorp Genetics (formerly Invitae), Labcorp
Classification: Uncertain significance for Capillary malformation-arteriovenous malformation syndrome. Last evaluated: 2025-02-26. Review status: criteria provided, single submitter. Criteria: Invitae Variant Classification Sherloc (09022015). Collection method: clinical testing. Allele origin: germline.
Comment: This variant, c.2897_2899del, is a complex sequence change that results in the deletion of 2 and insertion of 1 amino acid(s) in the RASA1 protein (p.Arg966_Met967delinsLeu). This variant is not present in population databases (gnomAD no frequency). This variant has not been reported in the literature in individuals affected with RASA1-related conditions. Experimental studies and prediction algorithms are not available or were not evaluated, and the functional significance of this variant is currently unknown. In summary, the available evidence is currently insufficient to determine the role of this variant in disease. Therefore, it has been classified as a Variant of Uncertain Significance.